The following is an entry in ClinVar:

NM_000059.4(BRCA2):c.2758_2759insATGG (p.Pro920fs)

Gene: BRCA2 (BRCA2 DNA repair associated; plus strand). Cytogenetic location: 13q13.1.
Variant type: Insertion.
Coding change: c.2758_2759insATGG on transcript NM_000059.4 (MANE Select); coding-DNA positions 2758 to 2759, ATGG inserted.
Protein change: p.Pro920fs; shifts the reading frame from proline 920.
Molecular consequence: frameshift variant.
Genome position: GRCh38 VCF-style: chr13-32337113-C-CATGG. GRCh37 (hg19) VCF-style: chr13-32911250-C-CATGG.
Other names: 2986_2987insATGG; short protein forms P920fs.
Identifiers: ClinVar variation 266719 (VCV000266719.8), dbSNP rs886040445, ClinGen allele CA10589171.

ClinVar aggregate classification (germline): Pathogenic. Review status: reviewed by expert panel (3 of 4 stars). 3 submissions from 3 submitters: Pathogenic (1). 2 of the submissions do not count toward it. Last evaluated 2016-10-18.

Conditions:
Hereditary breast ovarian cancer syndrome. Also called: Hereditary breast and ovarian cancer; Hereditary breast and ovarian cancer syndrome (HBOC); Hereditary breast and/or ovarian cancer syndrome; Breast and ovarian cancer; Hereditary breast and ovarian cancer syndrome; BRCA1- and BRCA2-Associated Hereditary Breast and Ovarian Cancer. Identifiers: Orphanet 145, MedGen C0677776, MeSH D061325, MONDO:0003582. Disease mechanism: loss of function.
Breast-ovarian cancer, familial, susceptibility to, 2 (BROVCA2). Also called: BRCA2 Hereditary Breast and Ovarian Cancer. Identifiers: Orphanet 145, MedGen C2675520, MONDO:0012933, OMIM 612555. Disease mechanism: loss of function.

Submissions (3):

Evidence-based Network for the Interpretation of Germline Mutant Alleles (ENIGMA)
Classification: Pathogenic for Breast-ovarian cancer, familial, susceptibility to, 2. Last evaluated: 2016-10-18. Review status: reviewed by expert panel. Criteria: ENIGMA BRCA1/2 Classification Criteria (2015). Collection method: curation. Allele origin: germline.
Comment: Variant allele predicted to encode a truncated non-functional protein.

Labcorp Genetics (formerly Invitae), Labcorp
Classification: Pathogenic for Hereditary breast ovarian cancer syndrome. Last evaluated: 2022-02-14. Review status: criteria provided, single submitter. Criteria: Invitae Variant Classification Sherloc (09022015). Collection method: clinical testing. Allele origin: germline. Not counted in ClinVar's aggregate classification.
Comment: For these reasons, this variant has been classified as Pathogenic. ClinVar contains an entry for this variant (Variation ID: 266719). This variant has not been reported in the literature in individuals affected with BRCA2-related conditions. This variant is not present in population databases (gnomAD no frequency). This sequence change creates a premature translational stop signal (p.Pro920Hisfs*17) in the BRCA2 gene. It is expected to result in an absent or disrupted protein product. Loss-of-function variants in BRCA2 are known to be pathogenic (PMID: 20104584).

Consortium of Investigators of Modifiers of BRCA1/2 (CIMBA), c/o University of Cambridge
Classification: Pathogenic for Breast-ovarian cancer, familial, susceptibility to, 2. Last evaluated: 2015-10-02. Review status: criteria provided, single submitter. Criteria: CIMBA Mutation Classification guidelines May 2016. Collection method: clinical testing. Allele origin: germline. Not counted in ClinVar's aggregate classification.

Literature cited by the submitters: PubMed 20104584 (cited by Labcorp Genetics (formerly Invitae), Labcorp).